The following is an entry in ClinVar:

ClinVar aggregate classification (germline): Benign. Review status: criteria provided, multiple submitters, no conflicts (2 of 4 stars). 2 submissions from 2 submitters: Benign (2). Last evaluated 2018-06-19.

Allele frequency attached by ClinVar (database versions not stated): gnomAD exomes 0.00483; gnomAD 0.04023 and 0.04310; TOPMed 0.04607; 1000 Genomes Project 0.04712; 1000 Genomes Project 30x 0.05169.
gnomAD v4.1: 9,154 of 747,328 alleles (1.2%); highest among the groups gnomAD compares: African/African-American, 14%; 554 homozygotes.

Submissions (2):

GeneDx
Classification: Benign. Last evaluated: 2018-06-19. Review status: criteria provided, single submitter. Criteria: GeneDx Variant Classification (06012015). Collection method: clinical testing. Allele origin: germline. Affected: yes.
Comment: This variant is considered likely benign or benign based on one or more of the following criteria: it is a conservative change, it occurs at a poorly conserved position in the protein, it is predicted to be benign by multiple in silico algorithms, and/or has population frequency not consistent with disease.

Breakthrough Genomics
Classification: Benign. Review status: criteria provided, single submitter. Criteria: ACMG Guidelines, 2015. Collection method: not provided. Allele origin: germline. Inheritance: Autosomal recessive inheritance. Affected: yes.

NM_032578.4(MYPN):c.1317+135T>A

Gene: MYPN (myopalladin; plus strand). Cytogenetic location: 10q21.3.
Variant type: single nucleotide variant.
Coding change: c.1317+135T>A on transcript NM_032578.4 (MANE Select); 135 bases into the intron after coding-DNA position 1317, T replaced by A.
Molecular consequence: intron variant.
Genome position (GRCh38, 1-based): chr10:68,150,246, T>A. VCF-style: chr10-68150246-T-A. GRCh37 (hg19) VCF-style: chr10-69910003-T-A.
Other names: c.1317+135T>A (NM_001256267.2); c.435+135T>A (NM_001256268.2).
Identifiers: ClinVar variation 675666 (VCV000675666.2), dbSNP rs7080619, ClinGen allele CA208182639.